The following is an entry in ClinVar:

NM_001040436.3(YARS2):c.399G>C (p.Glu133Asp)

Gene: YARS2 (tyrosyl-tRNA synthetase 2; minus strand). Cytogenetic location: 12p11.21.
Variant type: single nucleotide variant.
Coding change: c.399G>C on transcript NM_001040436.3 (MANE Select); coding-DNA position 399, G replaced by C.
Protein change: p.Glu133Asp; replaces glutamic acid 133 with aspartic acid.
Molecular consequence: missense variant.
Genome position (GRCh38, 1-based): chr12:32,755,476, C>G on the plus strand (G>C on the coding strand, the complement: YARS2 is on the minus strand). VCF-style: chr12-32755476-C-G. GRCh37 (hg19) VCF-style: chr12-32908410-C-G.
Other names: short protein forms E133D.
Identifiers: ClinVar variation 3648097 (VCV003648097.2).
Genomic context (GRCh38, chr12:32,755,476, plus strand): 5'-AGCCGCCAGGGCCTCAAGCCCTAGGCGCAGAGCTCGCGCGTTGGCTCGCACGCGCTCTGT[C>G]TCCAGCGCCTCGCGTTCCTTGGTACGGCCGCTCGGGTCTCCCAGGCGCGCCGTGGCGCCT-3'
Protein context (NP_001035526.1, residues 123-143): SGRTKEREAL[Glu133Asp]TERVRANARA

ClinVar aggregate classification (germline): Uncertain significance (1 of 4 stars; one submission).

Submission:

Labcorp Genetics (formerly Invitae), Labcorp
Classification: Uncertain significance. Last evaluated: 2024-04-03. Review status: criteria provided, single submitter. Criteria: Invitae Variant Classification Sherloc (09022015). Collection method: clinical testing. Allele origin: germline.
Comment: This sequence change replaces glutamic acid, which is acidic and polar, with aspartic acid, which is acidic and polar, at codon 133 of the YARS2 protein (p.Glu133Asp). This variant is not present in population databases (gnomAD no frequency). This variant has not been reported in the literature in individuals affected with YARS2-related conditions. Advanced modeling of protein sequence and biophysical properties (such as structural, functional, and spatial information, amino acid conservation, physicochemical variation, residue mobility, and thermodynamic stability) performed at Invitae indicates that this missense variant is not expected to disrupt YARS2 protein function with a negative predictive value of 80%. In summary, the available evidence is currently insufficient to determine the role of this variant in disease. Therefore, it has been classified as a Variant of Uncertain Significance.